The following is an entry in ClinVar:

NM_024824.5(ZC3H14):c.2204+17_2204+41del

Gene: ZC3H14 (zinc finger CCCH-type containing 14; plus strand). Cytogenetic location: 14q31.3.
Variant type: Deletion.
Coding change: c.2204+17_2204+41del on transcript NM_024824.5 (MANE Select); bases 17 to 41 of the intron after coding-DNA position 2204, 25 bases deleted (GTTTTTCTCATGTCAGTTCAAATTC).
Molecular consequence: intron variant.
Genome position (GRCh38, 1-based): chr14:88,610,957-88,610,981, GTTTTTCTCATGTCAGTTCAAATTC deleted; deleting any 25 consecutive bases within chr14:88,610,948-88,610,981 gives the same sequence; the c. name uses the placement nearest the transcript's 3' end. VCF-style (leftmost placement, unchanged base first): chr14-88610947-ATTCAAATTCGTTTTTCTCATGTCAG-A. GRCh37 (hg19) VCF-style: chr14-89077291-ATTCAAATTCGTTTTTCTCATGTCAG-A.
Other names: c.2102+17_2102+41del (NM_001326297.2); c.2099+17_2099+41del (NM_001326315.2, NM_001326316.2); c.2027+17_2027+41del (NM_001326301.2); c.1631+17_1631+41del (NM_001326303.2); c.2201+17_2201+41del (NM_001160103.2); c.2189+17_2189+41del (NM_001326310.2); c.2186+17_2186+41del (NM_001160104.2); c.1811+17_1811+41del (NM_001326295.2); and 17 more.
Identifiers: ClinVar variation 254279 (VCV000254279.39), dbSNP rs571303442, ClinGen allele CA7300794.
Genomic context (GRCh38, chr14:88,610,947, plus strand): 5'-CACCATTAATGTCCCACCACGACATGCCTTGAAATGGATTCGACCTCAAACCAGGTAAAC[ATTCAAATTCGTTTTTCTCATGTCAG>A]TTCAAATTCTTTTTTCTAATTTGCAGTTTCTAAATTTATAAGCACACAAAATTGGAAACT-3'

ClinVar aggregate classification (germline): Conflicting classifications of pathogenicity. Review status: criteria provided, conflicting classifications (1 of 4 stars). 6 submissions from 6 submitters: Uncertain significance (1); Benign (3). 2 of the submissions do not count toward it. Last evaluated 2025-01-01.

Conditions:
Intellectual developmental disorder, autosomal recessive 56. Also called: Intellectual disability, autosomal recessive 56. Identifiers: MedGen C4310703, MONDO:0014930, OMIM 617125.

Submissions (6):

CeGaT Center for Human Genetics Tuebingen
Classification: Benign. Last evaluated: 2025-01-01. Review status: criteria provided, single submitter. Criteria: CeGaT Center For Human Genetics Tuebingen Variant Classification Criteria Version 2. Collection method: clinical testing. Allele origin: germline. Affected: yes. Observed: 27 variant alleles.
Comment: ZC3H14: BS1, BS2

Department of Pathology and Laboratory Medicine, Sinai Health System
Classification: Uncertain significance for Intellectual developmental disorder, autosomal recessive 56. Last evaluated: 2023-08-22. Review status: criteria provided, single submitter. Criteria: ACMG Guidelines, 2015. Collection method: research. Allele origin: germline.

Labcorp Genetics (formerly Invitae), Labcorp
Classification: Benign. Last evaluated: 2019-12-31. Review status: criteria provided, single submitter. Criteria: Invitae Variant Classification Sherloc (09022015). Collection method: clinical testing. Allele origin: germline.

Knight Diagnostic Laboratories, Oregon Health and Sciences University
Classification: Benign. Last evaluated: 2019-05-20. Review status: criteria provided, single submitter. Criteria: ACMG Guidelines, 2015. Collection method: clinical testing. Allele origin: germline. Observed: 1 variant allele.

OMIM
Classification: Pathogenic for INTELLECTUAL DEVELOPMENTAL DISORDER, AUTOSOMAL RECESSIVE 56. Last evaluated: 2021-12-02. Review status: no assertion criteria provided. Collection method: literature only. Allele origin: germline. Not counted in ClinVar's aggregate classification.

Reproductive Health Research and Development, BGI Genomics
Classification: Benign for Mental retardation, autosomal recessive 56. Last evaluated: 2020-01-06. Review status: no assertion criteria provided. Collection method: curation. Allele origin: germline. Not counted in ClinVar's aggregate classification.
Comment: NG_050601.1(NM_024824.4):c.2204+17_2204+41del in ZC3H14 gene has an allele frequency of 0.028 in Ashkenazi Jewish subpopulation in the gnomAD database, including 22 homozygous occurrences. Benign computational verdict because benign prediction from GERP. Pak et al. reported three intellectual disability patients in a consanguineous family with the homozygous of this deletion. Haplotype of the single linkage interval with maximum LOD score of 2.5 in Family-2 (PMID: 21734151). Taken together, we interprete this variant as Benign/Likely benign variant. ACMG/AMP criteria applied: BS1, BS2, BP4, PM3_Supporting, PP1_Strong.

Literature cited by the submitters: PubMed 21734151 (cited by OMIM).